The following is an entry in ClinVar:

NM_022098.4(XPNPEP3):c.182-3T>C

Gene: XPNPEP3 (X-prolyl aminopeptidase 3; plus strand). Cytogenetic location: 22q13.2.
Variant type: single nucleotide variant.
Coding change: c.182-3T>C on transcript NM_022098.4 (MANE Select); 3 bases into the intron before coding-DNA position 182, T replaced by C.
Molecular consequence: intron variant.
Genome position (GRCh38, 1-based): chr22:40,881,767, T>C. VCF-style: chr22-40881767-T-C. GRCh37 (hg19) VCF-style: chr22-41277771-T-C.
Identifiers: ClinVar variation 2730184 (VCV002730184.3), dbSNP rs745437088, ClinGen allele CA10251596.

ClinVar aggregate classification (germline): Uncertain significance (1 of 4 stars; one submission).

Conditions:
Nephronophthisis-like nephropathy 1 (NPHPL1). Identifiers: Orphanet 655, MedGen C3150419, MONDO:0013163, OMIM 613159.

Allele frequency attached by ClinVar (database versions not stated): gnomAD 0.00001; gnomAD exomes 0.00001; TOPMed 0.00001; ExAC 0.00005.
gnomAD v4.1: 24 of 1,613,954 alleles (0.0015%); highest among the groups gnomAD compares: Non-Finnish European, 0.0019%; no homozygotes.

Submission:

Labcorp Genetics (formerly Invitae), Labcorp
Classification: Uncertain significance for Nephronophthisis-like nephropathy 1. Last evaluated: 2024-03-01. Review status: criteria provided, single submitter. Criteria: Invitae Variant Classification Sherloc (09022015). Collection method: clinical testing. Allele origin: germline.
Comment: This sequence change falls in intron 2 of the XPNPEP3 gene. It does not directly change the encoded amino acid sequence of the XPNPEP3 protein. It affects a nucleotide within the consensus splice site. This variant is present in population databases (rs745437088, gnomAD 0.006%). This variant has not been reported in the literature in individuals affected with XPNPEP3-related conditions. Variants that disrupt the consensus splice site are a relatively common cause of aberrant splicing (PMID: 17576681, 9536098). Algorithms developed to predict the effect of sequence changes on RNA splicing suggest that this variant is not likely to affect RNA splicing. In summary, the available evidence is currently insufficient to determine the role of this variant in disease. Therefore, it has been classified as a Variant of Uncertain Significance.

Literature cited by the submitters: PubMed 17576681; PubMed 9536098.